The following is an entry in ClinVar:

NM_004656.4(BAP1):c.*643G>A

Gene: BAP1 (BRCA1 associated deubiquitinase 1; minus strand). Cytogenetic location: 3p21.1.
Variant type: single nucleotide variant.
Coding change: c.*643G>A on transcript NM_004656.4 (MANE Select); 643 bases downstream of the stop codon, G replaced by A.
Molecular consequence: 3 prime UTR variant.
Genome position (GRCh38, 1-based): chr3:52,401,645, C>T on the plus strand (G>A on the coding strand, the complement: BAP1 is on the minus strand). VCF-style: chr3-52401645-C-T. GRCh37 (hg19) VCF-style: chr3-52435661-C-T.
Identifiers: ClinVar variation 346108 (VCV000346108.7), dbSNP rs374367093, ClinGen allele CA10619125.

ClinVar aggregate classification (germline): Benign. Review status: criteria provided, single submitter (1 of 4 stars). 2 submissions from 2 submitters: Benign (1). 1 of the submissions does not count toward it. Last evaluated 2018-01-13.

Conditions:
BAP1-related tumor predisposition syndrome (TPDS1). Also called: COMMON Syndrome; TUMOR PREDISPOSITION SYNDROME 1; BAP1 tumor predisposition syndrome; Tumor susceptibility linked to germline BAP1 mutations. Identifiers: Orphanet 289539, MedGen C3280492, MONDO:0013692, OMIM 614327.
BAP1-related disorder. Also called: BAP1-related condition.

Allele frequency attached by ClinVar (database versions not stated): gnomAD 0.00010 and 0.00116; TOPMed 0.00012; gnomAD exomes 0.00042; 1000 Genomes Project 0.00799; 1000 Genomes Project 30x 0.00812.
gnomAD v4.1: 212 of 237,348 alleles (0.089%); highest among the groups gnomAD compares: South Asian, 3.4%; 5 homozygotes.

Submissions (2):

Illumina Laboratory Services, Illumina
Classification: Benign for BAP1-related tumor predisposition syndrome. Last evaluated: 2018-01-13. Review status: criteria provided, single submitter. Criteria: ICSL Variant Classification Criteria 13 December 2019. Collection method: clinical testing. Allele origin: germline.
Comment: This variant was observed in the ICSL laboratory as part of a predisposition screen in an ostensibly healthy population. It had not been previously curated by ICSL or reported in the Human Gene Mutation Database (HGMD: prior to June 1st, 2018), and was therefore a candidate for classification through an automated scoring system. Utilizing variant allele frequency, disease prevalence and penetrance estimates, and inheritance mode, an automated score was calculated to assess if this variant is too frequent to cause the disease. Based on the score and internal cut-off values, a variant classified as benign is not then subjected to further curation. The score for this variant resulted in a classification of benign for this disease.

PreventionGenetics, part of Exact Sciences
Classification: Likely benign for BAP1-related condition. Last evaluated: 2023-05-30. Review status: no assertion criteria provided. Collection method: clinical testing. Allele origin: germline. Not counted in ClinVar's aggregate classification.
Comment: This variant is classified as likely benign based on ACMG/AMP sequence variant interpretation guidelines (Richards et al. 2015 PMID: 25741868, with internal and published modifications).